The following is an entry in ClinVar:

ClinVar aggregate classification (germline): Uncertain significance (1 of 4 stars; one submission).

Conditions:
Inborn genetic diseases. Identifiers: MedGen C0950123, MeSH D030342.

Submission:

Ambry Genetics
Classification: Uncertain significance for Inborn genetic diseases. Last evaluated: 2021-01-05. Review status: criteria provided, single submitter. Criteria: Ambry Variant Classification Scheme 2023. Collection method: clinical testing. Allele origin: germline.
Comment: The c.747_752delCGCCGC (p.A250_A251del) alteration is located in exon 7 (coding exon 7) of the CTNND2 gene. This alteration consists of an in-frame deletion of 6 nucleotides between nucleotide positions c.747 and c.752, resulting in the deletion of 2 residues. Based on insufficient or conflicting evidence, the clinical significance of this alteration remains unclear.

NM_001332.4(CTNND2):c.735CGC[4] (p.Ala250_Ala251del)

Gene: CTNND2 (catenin delta 2; minus strand). Cytogenetic location: 5p15.2.
Variant type: Microsatellite.
Coding change: c.735CGC[4] on transcript NM_001332.4 (MANE Select); four copies in a row of the 3-base unit CGC starting at c.735; the reference has six copies in a row; two copies, 6 bases deleted.
Protein change: p.Ala250_Ala251del.
Molecular consequence: inframe deletion. On other transcripts: intron variant (3).
Genome position (GRCh38, 1-based): chr5:11,385,090-11,385,095, GCGGCG deleted on the plus strand (CGCCGC on the coding strand, the reverse complement: CTNND2 is on the minus strand); deleting any 6 consecutive bases within chr5:11,385,090-11,385,108 gives the same sequence; the position shown is the placement nearest the transcript's 3' end. VCF-style (leftmost placement, unchanged base first): chr5-11385089-CGCGGCG-C. GRCh37 (hg19) VCF-style: chr5-11385201-CGCGGCG-C.
Other names: c.462CGC[4], p.Ala159_Ala160del (NM_001288715.1); c.-123+11924CGC[4] (NM_001288717.2); c.167-20217CGC[4] (NM_001364128.2, NM_001288716.1).
Identifiers: ClinVar variation 3078697 (VCV003078697.1), dbSNP rs578098885, ClinGen allele CA114394854.